The following is an entry in ClinVar:

ClinVar aggregate classification (germline): Uncertain significance (1 of 4 stars; one submission).

Submission:

GeneDx
Classification: Uncertain significance. Last evaluated: 2024-08-01. Review status: criteria provided, single submitter. Criteria: GeneDx Variant Classification Process June 2021. Collection method: clinical testing. Allele origin: germline. Affected: yes.
Comment: Not observed at significant frequency in large population cohorts (gnomAD); In silico analysis indicates that this missense variant does not alter protein structure/function; Has not been previously published as pathogenic or benign to our knowledge

NM_001256864.2(DNAJC6):c.1659T>A (p.Asp553Glu)

Gene: DNAJC6 (DnaJ heat shock protein family (Hsp40) member C6; plus strand). Cytogenetic location: 1p31.3.
Variant type: single nucleotide variant.
Coding change: c.1659T>A on transcript NM_001256864.2 (MANE Select); coding-DNA position 1659, T replaced by A.
Protein change: p.Asp553Glu; replaces aspartic acid 553 with glutamic acid.
Molecular consequence: missense variant.
Genome position (GRCh38, 1-based): chr1:65,392,621, T>A. VCF-style: chr1-65392621-T-A. GRCh37 (hg19) VCF-style: chr1-65858304-T-A.
Other names: c.1449T>A, p.Asp483Glu (NM_001256865.2); c.1488T>A, p.Asp496Glu (NM_014787.4); short protein forms D483E, D496E, D553E.
Identifiers: ClinVar variation 3602307 (VCV003602307.1).